The following is an entry in ClinVar:

NM_004606.5(TAF1):c.5293A>G (p.Met1765Val)

Gene: TAF1 (TATA-box binding protein associated factor 1; plus strand). Cytogenetic location: Xq13.1.
Variant type: single nucleotide variant.
Coding change: c.5293A>G on transcript NM_004606.5 (MANE Select); coding-DNA position 5293, A replaced by G.
Protein change: p.Met1765Val; replaces methionine 1765 with valine.
Molecular consequence: missense variant. On other transcripts: non-coding transcript variant (9).
Genome position (GRCh38, 1-based): chrX:71,460,697, A>G. VCF-style: chrX-71460697-A-G. GRCh37 (hg19) VCF-style: chrX-70680547-A-G.
Other names: c.5353A>G (NM_004606.3); c.5299A>G, p.Met1767Val (NM_001286074.2); c.5230A>G, p.Met1744Val (NM_138923.4); short protein forms M1765V, M1767V, M1744V.
Identifiers: ClinVar variation 1968304 (VCV001968304.7), dbSNP rs370839082, ClinGen allele CA10447376.

ClinVar aggregate classification (germline): Benign/Likely benign. Review status: criteria provided, multiple submitters, no conflicts (2 of 4 stars). 3 submissions from 3 submitters: Benign (1); Likely benign (2). Last evaluated 2026-01-01.

Conditions:
Inborn genetic diseases. Identifiers: MedGen C0950123, MeSH D030342.

Allele frequency attached by ClinVar (database versions not stated): gnomAD 0.00010; ExAC 0.00004; TOPMed 0.00014; gnomAD exomes 0.00002; ESP Exome Variant Server 0.00009.

Submissions (3):

Labcorp Genetics (formerly Invitae), Labcorp
Classification: Benign. Last evaluated: 2026-01-01. Review status: criteria provided, single submitter. Criteria: Invitae Variant Classification Sherloc (09022015). Collection method: clinical testing. Allele origin: germline.

Women's Health and Genetics/Laboratory Corporation of America, LabCorp
Classification: Likely benign. Last evaluated: 2025-11-19. Review status: criteria provided, single submitter. Criteria: LabCorp Variant Classification Summary - May 2015. Collection method: clinical testing. Allele origin: germline.
Comment: Variant summary: TAF1 c.5293A>G (p.Met1765Val) results in a conservative amino acid change in the encoded protein sequence. Algorithms developed to predict the effect of missense changes on protein structure and function all suggest that this variant is likely to be tolerated. The variant allele was found at a frequency of 2.6e-05 in 1209299 control chromosomes, predominantly at a frequency of 0.00021 within the African or African-American subpopulation in the gnomAD database, including 7 hemizygous males. This frequency is not significantly higher than estimated for disease-causing variants in TAF1, however the presence of several hemizygous controls is not consistent with the early onset/severe presentation of TAF1-related condition(s). To our knowledge, no occurrence of c.5293A>G in individuals affected with TAF1-related conditions and no experimental evidence demonstrating its impact on protein function have been reported. ClinVar contains an entry for this variant (Variation ID: 1968304). Based on the evidence outlined above, the variant was classified as likely benign.

Ambry Genetics
Classification: Likely benign for Inborn genetic diseases. Last evaluated: 2024-10-04. Review status: criteria provided, single submitter. Criteria: Ambry Variant Classification Scheme 2023. Collection method: clinical testing. Allele origin: germline.